The following is an entry in ClinVar:

NM_032043.3(BRIP1):c.3602T>C (p.Ile1201Thr)

Gene: BRIP1 (BRCA1 interacting DNA helicase 1; minus strand). Cytogenetic location: 17q23.2.
Variant type: single nucleotide variant.
Coding change: c.3602T>C on transcript NM_032043.3 (MANE Select); coding-DNA position 3602, T replaced by C.
Protein change: p.Ile1201Thr; replaces isoleucine 1201 with threonine.
Molecular consequence: missense variant.
Genome position (GRCh38, 1-based): chr17:61,683,444, A>G on the plus strand (T>C on the coding strand, the complement: BRIP1 is on the minus strand). VCF-style: chr17-61683444-A-G. GRCh37 (hg19) VCF-style: chr17-59760805-A-G.
Other names: short protein forms I1201T.
Identifiers: ClinVar variation 860739 (VCV000860739.11), dbSNP rs2061300384, ClinGen allele CA400478084.

ClinVar aggregate classification (germline): Uncertain significance. Review status: criteria provided, multiple submitters, no conflicts (2 of 4 stars). 2 submissions from 2 submitters: Uncertain significance (2). Last evaluated 2026-07-07.

Conditions:
Familial cancer of breast. Also called: Hereditary breast cancer; hereditary breast carcinoma; BREAST CANCER, FAMILIAL. Identifiers: Orphanet 227535, MedGen C0346153, MONDO:0016419, OMIM 114480. Disease mechanism: loss of function.
Fanconi anemia complementation group J. Also called: BRIP1-Related Fanconi Anemia. Identifiers: Orphanet 84, MedGen C1836860, MONDO:0012187, OMIM 609054.
Hereditary cancer-predisposing syndrome. Also called: Tumor predisposition; Hereditary neoplastic syndrome; Neoplastic Syndromes, Hereditary; Hereditary Cancer Syndrome. Identifiers: Orphanet 140162, MedGen C0027672, MeSH D009386, MONDO:0015356.

Allele frequency attached by ClinVar (database versions not stated): gnomAD exomes below 0.00001.
gnomAD v4.1: 1 of 1,613,562 alleles (0.000062%); highest among the groups gnomAD compares: Non-Finnish European, 0.000085%; no homozygotes.

Submissions (2):

Ambry Genetics
Classification: Uncertain significance for Hereditary cancer-predisposing syndrome. Last evaluated: 2026-07-07. Review status: criteria provided, single submitter. Criteria: Ambry Variant Classification Scheme 2023. Collection method: clinical testing. Allele origin: germline.
Comment: The p.I1201T variant (also known as c.3602T>C), located in coding exon 19 of the BRIP1 gene, results from a T to C substitution at nucleotide position 3602. The isoleucine at codon 1201 is replaced by threonine, an amino acid with similar properties. This amino acid position is conserved. In addition, this alteration is predicted to be tolerated by in silico analysis. Based on the available evidence, the clinical significance of this variant remains unclear.

Labcorp Genetics (formerly Invitae), Labcorp
Classification: Uncertain significance for Familial cancer of breast; Fanconi anemia complementation group J. Last evaluated: 2026-01-19. Review status: criteria provided, single submitter. Criteria: Invitae Variant Classification Sherloc (09022015). Collection method: clinical testing. Allele origin: germline.
Comment: This sequence change replaces isoleucine, which is neutral and non-polar, with threonine, which is neutral and polar, at codon 1201 of the BRIP1 protein (p.Ile1201Thr). This variant is not present in population databases (gnomAD no frequency). This variant has not been reported in the literature in individuals affected with BRIP1-related conditions. ClinVar contains an entry for this variant (Variation ID: 860739). Invitae Evidence Modeling of protein sequence and biophysical properties (such as structural, functional, and spatial information, amino acid conservation, physicochemical variation, residue mobility, and thermodynamic stability) indicates that this missense variant is not expected to disrupt BRIP1 protein function with a negative predictive value of 95%. In summary, the available evidence is currently insufficient to determine the role of this variant in disease. Therefore, it has been classified as a Variant of Uncertain Significance.